The following is an entry in ClinVar:

NM_014244.5(ADAMTS2):c.42_43delinsAGCAGCACGA (p.Leu16fs)

Gene: ADAMTS2 (ADAM metallopeptidase with thrombospondin type 1 motif 2; minus strand). Cytogenetic location: 5q35.3.
Variant type: Indel.
Coding change: c.42_43delinsAGCAGCACGA on transcript NM_014244.5 (MANE Select); coding-DNA positions 42 to 43, CG replaced by AGCAGCACGA.
Protein change: p.Leu16fs; shifts the reading frame from leucine 16.
Molecular consequence: frameshift variant.
Genome position (GRCh38, 1-based): chr5:179,345,286-179,345,287, CG replaced by TCGTGCTGCT on the plus strand (CG replaced by AGCAGCACGA on the coding strand, the reverse complement: ADAMTS2 is on the minus strand). VCF-style: chr5-179345286-CG-TCGTGCTGCT. GRCh37 (hg19) VCF-style: chr5-178772287-CG-TCGTGCTGCT.
Other names: c.42_43delinsAGCAGCACGA, p.Leu16fs (NM_021599.4); short protein forms L16fs.
Identifiers: ClinVar variation 5010408 (VCV005010408.1).

ClinVar aggregate classification (germline): Pathogenic (1 of 4 stars; one submission).

Conditions:
Ehlers-Danlos syndrome, dermatosparaxis type. Also called: EDS VIIC; Dermatosparaxis; Ehlers-Danlos syndrome, type VII, autosomal recessive. Identifiers: Orphanet 1901, MedGen C2700425, MONDO:0009161, OMIM 225410.

Submission:

Myriad Genetics, Inc.
Classification: Pathogenic for Ehlers-Danlos syndrome, dermatosparaxis type. Last evaluated: 2024-05-14. Review status: criteria provided, single submitter. Criteria: Myriad Autosomal Dominant, Autosomal Recessive and X-Linked Classification Criteria (2023). Collection method: clinical testing. Allele origin: unknown.
Comment: NM_014244.4(ADAMTS2):c.42_43del2ins10(L16Afs*152) is expected to be pathogenic in the context of Ehlers-Danlos syndrome, ADAMTS2-related. This variant is predicted to lead to an abnormal or absent protein product due to the creation of a premature termination codon in ADAMTS2, a gene where loss-of-function variants are known to be pathogenic. Please note: this variant was assessed in the context of healthy population screening.